The following is an entry in ClinVar:

NM_001134363.3(RBM20):c.1668+8T>C

Gene: RBM20 (RNA binding motif protein 20; plus strand). Cytogenetic location: 10q25.2.
Variant type: single nucleotide variant.
Coding change: c.1668+8T>C on transcript NM_001134363.3 (MANE Select); 8 bases into the intron after coding-DNA position 1668, T replaced by C.
Molecular consequence: intron variant.
Genome position (GRCh38, 1-based): chr10:110,797,656, T>C. VCF-style: chr10-110797656-T-C. GRCh37 (hg19) VCF-style: chr10-112557414-T-C.
Other names: c.1668+8T>C (LRG_382t1).
Identifiers: ClinVar variation 382819 (VCV000382819.3), dbSNP rs755752098, ClinGen allele CA16605972.

ClinVar aggregate classification (germline): Likely benign. Review status: criteria provided, multiple submitters, no conflicts (2 of 4 stars). 2 submissions from 2 submitters: Likely benign (2). Last evaluated 2024-12-20.

Conditions:
Dilated cardiomyopathy 1DD (CMD1DD). Identifiers: Orphanet 154, MedGen C2750995, MONDO:0013168, OMIM 613172.

Allele frequency attached by ClinVar (database versions not stated): TOPMed 0.00001.
gnomAD v4.1: 3 of 1,551,588 alleles (0.00019%); highest among the groups gnomAD compares: African/African-American, 0.0014%; no homozygotes.

Submissions (2):

Labcorp Genetics (formerly Invitae), Labcorp
Classification: Likely benign for Dilated cardiomyopathy 1DD. Last evaluated: 2024-12-20. Review status: criteria provided, single submitter. Criteria: Invitae Variant Classification Sherloc (09022015). Collection method: clinical testing. Allele origin: germline.

GeneDx
Classification: Likely benign. Last evaluated: 2016-01-07. Review status: criteria provided, single submitter. Criteria: GeneDx Variant Classification (06012015). Collection method: clinical testing. Allele origin: germline. Affected: yes.
Comment: This variant is considered likely benign or benign based on one or more of the following criteria: it is a conservative change, it occurs at a poorly conserved position in the protein, it is predicted to be benign by multiple in silico algorithms, and/or has population frequency not consistent with disease.